The following is an entry in ClinVar:

ClinVar aggregate classification (germline): Uncertain significance (1 of 4 stars; one submission).

gnomAD v4.1: 6 of 1,613,506 alleles (0.00037%); highest among the groups gnomAD compares: Non-Finnish European, 0.00051%; no homozygotes.

Submission:

Labcorp Genetics (formerly Invitae), Labcorp
Classification: Uncertain significance. Last evaluated: 2024-07-25. Review status: criteria provided, single submitter. Criteria: Invitae Variant Classification Sherloc (09022015). Collection method: clinical testing. Allele origin: germline.
Comment: This sequence change replaces alanine, which is neutral and non-polar, with proline, which is neutral and non-polar, at codon 114 of the TMEM38B protein (p.Ala114Pro). This variant is present in population databases (no rsID available, gnomAD 0.0009%). This variant has not been reported in the literature in individuals affected with TMEM38B-related conditions. An algorithm developed to predict the effect of missense changes on protein structure and function (PolyPhen-2) suggests that this variant is likely to be tolerated. In summary, the available evidence is currently insufficient to determine the role of this variant in disease. Therefore, it has been classified as a Variant of Uncertain Significance.

NM_018112.3(TMEM38B):c.340G>C (p.Ala114Pro)

Gene: TMEM38B (transmembrane protein 38B; plus strand). Cytogenetic location: 9q31.2.
Variant type: single nucleotide variant.
Coding change: c.340G>C on transcript NM_018112.3 (MANE Select); coding-DNA position 340, G replaced by C.
Protein change: p.Ala114Pro; replaces alanine 114 with proline.
Molecular consequence: missense variant.
Genome position (GRCh38, 1-based): chr9:105,721,607, G>C. VCF-style: chr9-105721607-G-C. GRCh37 (hg19) VCF-style: chr9-108483888-G-C.
Other names: short protein forms A114P.
Identifiers: ClinVar variation 3698231 (VCV003698231.2).